The following is an entry in ClinVar:

ClinVar aggregate classification (germline): Uncertain significance (1 of 4 stars; one submission).

Conditions:
CHARGE syndrome (CHARGE). Also called: Hittner Hirsch Kreh syndrome; CHARGE ASSOCIATION--COLOBOMA, HEART ANOMALY, CHOANAL ATRESIA, RETARDATION, GENITAL AND EAR ANOMALIES; Coloboma, heart anomaly, choanal atresia, retardation, genital and ear anomalies; CHARGE association; Hall-Hittner syndrome. Identifiers: Orphanet 138, MedGen C0265354, MONDO:0008965.

Submission:

Labcorp Genetics (formerly Invitae), Labcorp
Classification: Uncertain significance for CHARGE syndrome. Last evaluated: 2022-08-31. Review status: criteria provided, single submitter. Criteria: Invitae Variant Classification Sherloc (09022015). Collection method: clinical testing. Allele origin: germline.
Comment: This sequence change replaces alanine, which is neutral and non-polar, with valine, which is neutral and non-polar, at codon 2958 of the CHD7 protein (p.Ala2958Val). This variant is not present in population databases (gnomAD no frequency). This variant has not been reported in the literature in individuals affected with CHD7-related conditions. ClinVar contains an entry for this variant (Variation ID: 1393993). Advanced modeling of protein sequence and biophysical properties (such as structural, functional, and spatial information, amino acid conservation, physicochemical variation, residue mobility, and thermodynamic stability) performed at Invitae indicates that this missense variant is not expected to disrupt CHD7 protein function. In summary, the available evidence is currently insufficient to determine the role of this variant in disease. Therefore, it has been classified as a Variant of Uncertain Significance.

NM_017780.4(CHD7):c.8873C>T (p.Ala2958Val)

Gene: CHD7 (chromodomain helicase DNA binding protein 7; plus strand). Cytogenetic location: 8q12.2.
Variant type: single nucleotide variant.
Coding change: c.8873C>T on transcript NM_017780.4 (MANE Select); coding-DNA position 8873, C replaced by T.
Protein change: p.Ala2958Val; replaces alanine 2958 with valine.
Molecular consequence: missense variant.
Genome position (GRCh38, 1-based): chr8:60,865,812, C>T. VCF-style: chr8-60865812-C-T. GRCh37 (hg19) VCF-style: chr8-61778371-C-T.
Other names: c.2726C>T, p.Ala909Val (NM_001316690.1); short protein forms A2958V, A909V.
Identifiers: ClinVar variation 1393993 (VCV001393993.8), dbSNP rs2129771571, ClinGen allele CA371312845.